The following is an entry in ClinVar:

NM_020207.7(ERCC6L2):c.1864C>A (p.Gln622Lys)

Gene: ERCC6L2 (ERCC excision repair 6 like 2; plus strand). Cytogenetic location: 9q22.32.
Variant type: single nucleotide variant.
Coding change: c.1864C>A on transcript NM_020207.7 (MANE Select); coding-DNA position 1864, C replaced by A.
Protein change: p.Gln622Lys; replaces glutamine 622 with lysine.
Molecular consequence: missense variant. On other transcripts: non-coding transcript variant (1).
Genome position (GRCh38, 1-based): chr9:95,955,930, C>A. VCF-style: chr9-95955930-C-A. GRCh37 (hg19) VCF-style: chr9-98718212-C-A.
Other names: c.1864C>A, p.Gln622Lys (NM_001010895.4, NM_001375291.1, NM_001375292.1 and 2 more transcripts); short protein forms Q622K.
Identifiers: ClinVar variation 4870578 (VCV004870578.1).

ClinVar aggregate classification (germline): Uncertain significance (1 of 4 stars; one submission).

Conditions:
Inborn genetic diseases. Identifiers: MedGen C0950123, MeSH D030342.

gnomAD v4.1: 1 of 1,600,042 alleles (0.000062%); highest among the groups gnomAD compares: Non-Finnish European, 0.000085%; no homozygotes.

Submission:

Ambry Genetics
Classification: Uncertain significance for Inborn genetic diseases. Last evaluated: 2026-03-28. Review status: criteria provided, single submitter. Criteria: Ambry Variant Classification Scheme 2023. Collection method: clinical testing. Allele origin: germline.
Comment: The p.Q622K variant (also known as c.1864C>A), located in coding exon 13 of the ERCC6L2 gene, results from a C to A substitution at nucleotide position 1864. The glutamine at codon 622 is replaced by lysine, an amino acid with similar properties. This amino acid position is conserved. In addition, this alteration is predicted to be deleterious by in silico analysis. Based on the available evidence, the clinical significance of this variant remains unclear.